The following is an entry in ClinVar:

ClinVar aggregate classification (germline): Uncertain significance. Review status: criteria provided, multiple submitters, no conflicts (2 of 4 stars). 3 submissions from 3 submitters: Uncertain significance (3). Last evaluated 2023-10-30.

Allele frequency attached by ClinVar (database versions not stated): gnomAD 0.00001; ExAC 0.00002; TOPMed 0.00002.
gnomAD v4.1: 16 of 1,613,206 alleles (0.00099%); highest among the groups gnomAD compares: African/African-American, 0.0013%; no homozygotes.

Submissions (3):

Labcorp Genetics (formerly Invitae), Labcorp
Classification: Uncertain significance. Last evaluated: 2023-10-30. Review status: criteria provided, single submitter. Criteria: Invitae Variant Classification Sherloc (09022015). Collection method: clinical testing. Allele origin: germline.
Comment: This sequence change replaces glycine, which is neutral and non-polar, with serine, which is neutral and polar, at codon 959 of the RIMS1 protein (p.Gly959Ser). This variant is present in population databases (rs763404266, gnomAD 0.006%). This variant has not been reported in the literature in individuals affected with RIMS1-related conditions. ClinVar contains an entry for this variant (Variation ID: 1955242). An algorithm developed to predict the effect of missense changes on protein structure and function (PolyPhen-2) suggests that this variant is likely to be disruptive. In summary, the available evidence is currently insufficient to determine the role of this variant in disease. Therefore, it has been classified as a Variant of Uncertain Significance.

Ambry Genetics
Classification: Uncertain significance. Last evaluated: 2023-05-15. Review status: criteria provided, single submitter. Criteria: Ambry Variant Classification Scheme 2023. Collection method: clinical testing. Allele origin: germline.

Blueprint Genetics
Classification: Uncertain significance. Last evaluated: 2022-02-05. Review status: criteria provided, single submitter. Criteria: ACMG Guidelines, 2015. Collection method: clinical testing. Allele origin: germline.

NM_014989.7(RIMS1):c.2875G>A (p.Gly959Ser)

Gene: RIMS1 (regulating synaptic membrane exocytosis 1; plus strand). Cytogenetic location: 6q13.
Variant type: single nucleotide variant.
Coding change: c.2875G>A on transcript NM_014989.7 (MANE Select); coding-DNA position 2875, G replaced by A.
Protein change: p.Gly959Ser; replaces glycine 959 with serine.
Molecular consequence: missense variant.
Genome position (GRCh38, 1-based): chr6:72,258,229, G>A. VCF-style: chr6-72258229-G-A. GRCh37 (hg19) VCF-style: chr6-72967932-G-A.
Other names: c.1294G>A, p.Gly432Ser (NM_001168407.2, NM_001350415.2, NM_001350418.2 and 19 more transcripts); c.1297G>A, p.Gly433Ser (NM_001168408.2, NM_001350414.2, NM_001350416.2 and 15 more transcripts); c.1054G>A, p.Gly352Ser (NM_001168409.2, NM_001350464.2, NM_001350465.2 and 3 more transcripts); c.1252G>A, p.Gly418Ser (NM_001168410.2, NM_001350470.2, NM_001350473.2 and 1 more transcripts); c.1225G>A, p.Gly409Ser (NM_001350421.2, NM_001350430.2, NM_001350437.2 and 2 more transcripts); c.1228G>A, p.Gly410Ser (NM_001350424.2, NM_001350428.2, NM_001350459.2 and 1 more transcripts); c.1051G>A, p.Gly351Ser (NM_001350461.2, NM_001350463.2, NM_001350468.2); c.1249G>A, p.Gly417Ser (NM_001350472.2); and 1 more; short protein forms G432S, G410S, G418S, G417S, G959S, G351S, G352S, G409S.
Identifiers: ClinVar variation 1955242 (VCV001955242.8), dbSNP rs763404266, ClinGen allele CA3886056.
Genomic context (GRCh38, chr6:72,258,229, plus strand): 5'-ACTGTGCCAGAACAGCAAAGAACAACTCATCACCGCTCACGTTCAGTATCTCCTCATCGC[G>A]GCAATGATCAGGGAAAGCCGCGTTCACGTTTACCAAATGTGCCATTACAGAGGTAGGCTT-3'
Protein context (NP_055804.2, residues 949-969): HRSRSVSPHR[Gly959Ser]NDQGKPRSRL